The following is an entry in ClinVar:

NM_058216.3(RAD51C):c.523G>A (p.Ala175Thr)

Gene: RAD51C (RAD51 paralog C; plus strand). Cytogenetic location: 17q22.
Variant type: single nucleotide variant.
Coding change: c.523G>A on transcript NM_058216.3 (MANE Select); coding-DNA position 523, G replaced by A.
Protein change: p.Ala175Thr; replaces alanine 175 with threonine.
Molecular consequence: missense variant.
Genome position (GRCh38, 1-based): chr17:58,696,811, G>A. VCF-style: chr17-58696811-G-A. GRCh37 (hg19) VCF-style: chr17-56774172-G-A.
Other names: p.A175T:GCC>ACC; short protein forms A175T.
Identifiers: ClinVar variation 136160 (VCV000136160.37), dbSNP rs587780838, ClinGen allele CA333006.

ClinVar aggregate classification (germline): Conflicting classifications of pathogenicity. Review status: criteria provided, conflicting classifications (1 of 4 stars). 16 submissions from 16 submitters: Uncertain significance (14); Likely benign (1). 1 of the submissions does not count toward it. Last evaluated 2026-01-10.

Conditions:
Familial ovarian cancer. Identifiers: MedGen C5679802, MONDO:0016248.
Breast-ovarian cancer, familial, susceptibility to, 3. Also called: RAD51C-Related Breast/Ovarian Cancer. Identifiers: Orphanet 145, MedGen C3150659, MONDO:0013253, OMIM 613399.
Fanconi anemia complementation group O. Also called: RAD51C-Related Fanconi Anemia. Identifiers: Orphanet 84, MedGen C3150653, MONDO:0013248, OMIM 613390.
Hereditary cancer-predisposing syndrome. Also called: Neoplastic Syndromes, Hereditary; Hereditary Cancer Syndrome; Tumor predisposition; Hereditary neoplastic syndrome. Identifiers: Orphanet 140162, MedGen C0027672, MeSH D009386, MONDO:0015356.
Hereditary breast ovarian cancer syndrome. Also called: BRCA1- and BRCA2-Associated Hereditary Breast and Ovarian Cancer; Hereditary breast and ovarian cancer syndrome; Hereditary breast and ovarian cancer syndrome (HBOC); Hereditary breast and/or ovarian cancer syndrome; Hereditary breast and ovarian cancer; Breast and ovarian cancer. Identifiers: Orphanet 145, MedGen C0677776, MeSH D061325, MONDO:0003582. Disease mechanism: loss of function.

Allele frequency attached by ClinVar (database versions not stated): gnomAD exomes 0.00002 and 0.00003; TOPMed below 0.00001; gnomAD 0.00001; ExAC 0.00005.
gnomAD v4.1: 48 of 1,614,052 alleles (0.003%); highest among the groups gnomAD compares: Middle Eastern, 0.13%; no homozygotes.

Submissions (16):

Labcorp Genetics (formerly Invitae), Labcorp
Classification: Uncertain significance for Fanconi anemia complementation group O. Last evaluated: 2026-01-10. Review status: criteria provided, single submitter. Criteria: Invitae Variant Classification Sherloc (09022015). Collection method: clinical testing. Allele origin: germline.
Comment: This sequence change replaces alanine, which is neutral and non-polar, with threonine, which is neutral and polar, at codon 175 of the RAD51C protein (p.Ala175Thr). This variant is present in population databases (rs587780838, gnomAD 0.007%). This missense change has been observed in individual(s) with breast cancer, head and neck squamous cell carcinoma, and/or ovarian cancer (PMID: 21990120, 28678401, 31159747, 34923718, 35264596). ClinVar contains an entry for this variant (Variation ID: 136160). Invitae Evidence Modeling of protein sequence and biophysical properties (such as structural, functional, and spatial information, amino acid conservation, physicochemical variation, residue mobility, and thermodynamic stability) indicates that this missense variant is expected to disrupt RAD51C protein function with a positive predictive value of 80%. Experimental studies have shown that this missense change does not substantially affect RAD51C function (PMID: 37253112). In summary, the available evidence is currently insufficient to determine the role of this variant in disease. Therefore, it has been classified as a Variant of Uncertain Significance.

Center for Genomic Medicine, Rigshospitalet, Copenhagen University Hospital
Classification: Uncertain significance. Last evaluated: 2025-12-29. Review status: criteria provided, single submitter. Criteria: ACMG Guidelines, 2015. Collection method: clinical testing. Allele origin: germline.

GeneDx
Classification: Uncertain significance. Last evaluated: 2025-07-21. Review status: criteria provided, single submitter. Criteria: GeneDx Variant Classification Process June 2021. Collection method: clinical testing. Allele origin: germline. Affected: yes.
Comment: Observed in individuals with a personal or family history of breast, ovarian, or head and neck cancer (PMID: 21990120, 28678401, 34923718, 35264596); In silico analysis supports that this missense variant has a deleterious effect on protein structure/function; This variant is associated with the following publications: (PMID: 23117857, 28678401, 34923718, 31159747, 28829762, 25470109, 35264596, 21990120, 14704354, 37253112)

KCCC/NGS Laboratory, Kuwait Cancer Control Center
Classification: Uncertain significance for Breast-ovarian cancer, familial, susceptibility to, 3. Last evaluated: 2025-07-08. Review status: criteria provided, single submitter. Criteria: ACMG Guidelines, 2015. Collection method: clinical testing. Allele origin: germline. Inheritance: Autosomal dominant inheritance. Affected: yes. Observed: 1 heterozygote.
Comment: This sequence change replaces alanine, which is neutral and non-polar, with threonine, which is neutral and polar, at codon 175 of the RAD51C protein (p.Ala175Thr). This variant is present in population databases (rs587780838, gnomAD 0.007%). This missense change has been observed in individual(s) with breast cancer, head and neck squamous cell carcinoma, and/or ovarian cancer (PMID: 21990120, 28678401, 31159747, 34923718, 35264596). ClinVar contains an entry for this variant (Variation ID: 136160). In silico analysis supports that this missense variant has a deleterious effect on protein structure/function. In summary, the available evidence is currently insufficient to determine the role of this variant in disease. Therefore, it has been classified as a Variant of Uncertain Significance.

Myriad Genetics, Inc.
Classification: Likely benign for Breast-ovarian cancer, familial, susceptibility to, 3. Last evaluated: 2025-02-18. Review status: criteria provided, single submitter. Criteria: Myriad Autosomal Dominant, Autosomal Recessive and X-Linked Classification Criteria (2023). Collection method: clinical testing. Allele origin: unknown.
Comment: This variant is considered likely benign. This variant is strongly associated with less severe personal and family histories of cancer, typical for individuals without pathogenic variants in this gene [PMID: 25085752].

Ambry Genetics
Classification: Uncertain significance for Hereditary cancer-predisposing syndrome. Last evaluated: 2024-10-17. Review status: criteria provided, single submitter. Criteria: Ambry Variant Classification Scheme 2023. Collection method: clinical testing. Allele origin: germline.
Comment: The p.A175T variant (also known as c.523G>A), located in coding exon 3 of the RAD51C gene, results from a G to A substitution at nucleotide position 523. The alanine at codon 175 is replaced by threonine, an amino acid with similar properties. In multiple assays testing RAD51C function, this alteration showed a normal read-out (Hu C et al. Cancer Res, 2023 Aug;83:2557-2571). This amino acid position is highly conserved in available vertebrate species. In addition, the in silico prediction for this alteration is inconclusive. Based on the available evidence, the clinical significance of this variant remains unclear.

Revvity Omics, Revvity
Classification: Uncertain significance for Fanconi anemia complementation group O. Last evaluated: 2024-09-10. Review status: criteria provided, single submitter. Criteria: ACMG Guidelines, 2015. Collection method: clinical testing. Allele origin: germline.

Color Diagnostics, LLC DBA Color Health
Classification: Uncertain significance for Hereditary cancer-predisposing syndrome. Last evaluated: 2024-06-25. Review status: criteria provided, single submitter. Criteria: ACMG Guidelines, 2015. Collection method: clinical testing. Allele origin: germline.
Comment: This missense variant replaces alanine with threonine at codon 175 of the RAD51C protein. Computational prediction tool suggests that this variant may not impact protein structure and function. To our knowledge, functional studies have not been reported for this variant. This variant has been reported in an individual affected with breast cancer (PMID: 21990120) and in an individual affected with head and neck squamous cell carcinoma (PMID: 28678401). This variant has also been identified in 6/251468 chromosomes in the general population by the Genome Aggregation Database (gnomAD). The available evidence is insufficient to determine the role of this variant in disease conclusively. Therefore, this variant is classified as a Variant of Uncertain Significance.

Fulgent Genetics
Classification: Uncertain significance for Fanconi anemia complementation group O; Breast-ovarian cancer, familial, susceptibility to, 3. Last evaluated: 2024-05-23. Review status: criteria provided, single submitter. Criteria: ACMG Guidelines, 2015. Collection method: clinical testing. Allele origin: germline.

Molecular Pathology, Peter Maccallum Cancer Centre
Classification: Uncertain significance for Familial ovarian cancer. Last evaluated: 2024-04-30. Review status: criteria provided, single submitter. Criteria: ACMG Guidelines, 2015. Collection method: clinical testing. Allele origin: germline. Inheritance: Autosomal dominant inheritance.

Baylor Genetics
Classification: Uncertain significance for Breast-ovarian cancer, familial, susceptibility to, 3. Last evaluated: 2023-10-18. Review status: criteria provided, single submitter. Criteria: ACMG Guidelines, 2015. Collection method: clinical testing. Allele origin: unknown.

Quest Diagnostics Nichols Institute San Juan Capistrano
Classification: Uncertain significance. Last evaluated: 2023-06-22. Review status: criteria provided, single submitter. Criteria: Quest Diagnostics criteria. Collection method: clinical testing. Allele origin: unknown.
Comment: In the published literature, this variant has been reported in individuals with breast cancer (PMIDs: 31159747 (2019), 25470109 (2015), 21990120 (2012)) and head and neck squamous cell carcinoma (PMID: 28678401 (2017)). The frequency of this variant in the general population, 0.000035 (4/113748 chromosomes (Genome Aggregation Database)), is uninformative in the assessment of its pathogenicity. Analysis of this variant using bioinformatics tools for the prediction of the effect of amino acid changes on protein structure and function yielded conflicting predictions that this variant is benign or damaging. Based on the available information, we are unable to determine the clinical significance of this variant.

Women's Health and Genetics/Laboratory Corporation of America, LabCorp
Classification: Uncertain significance. Last evaluated: 2018-10-05. Review status: criteria provided, single submitter. Criteria: LabCorp Variant Classification Summary - May 2015. Collection method: clinical testing. Allele origin: germline.
Comment: Variant summary: RAD51C c.523G>A (p.Ala175Thr) results in a non-conservative amino acid change located in the ATP-binding domain (IPR020588) of the encoded protein sequence. Four of five in-silico tools predict a damaging effect of the variant on protein function. The variant allele was found at a frequency of 2.8e-05 in 246252 control chromosomes (gnomAD). The available data on variant occurrences in the general population are insufficient to allow any conclusion about variant significance. c.523G>A has been reported in the literature in one individual affected with Breast Cancer (Thompson 2012) and in an individual with head and neck cancer (Chandrasekharappa 2017). These reports do not provide unequivocal conclusions about association of the variant with Hereditary Breast and Ovarian Cancer. To our knowledge, no experimental evidence demonstrating an impact on protein function has been reported. Four clinical diagnostic laboratories have submitted clinical-significance assessments for this variant to ClinVar after 2014 without evidence for independent evaluation. All laboratories classified the variant as uncertain significance. Based on the evidence outlined above, the variant was classified as uncertain significance.

GeneKor MSA
Classification: Uncertain significance for Hereditary cancer-predisposing syndrome. Last evaluated: 2018-08-01. Review status: criteria provided, single submitter. Criteria: ACMG Guidelines, 2015. Collection method: clinical testing. Allele origin: germline. Affected: yes.

Mendelics
Classification: Uncertain significance for Hereditary breast and ovarian cancer syndrome. Last evaluated: 2018-07-02. Review status: criteria provided, single submitter. Criteria: Mendelics Assertion Criteria 2017. Collection method: clinical testing. Allele origin: unknown.

Leiden Open Variation Database
Classification: Uncertain significance. Last evaluated: 2011-08-25. Review status: no assertion criteria provided. Collection method: curation. Allele origin: germline. Affected: yes. Not counted in ClinVar's aggregate classification.
Comment: Curator: Arleen D. Auerbach. Submitter to LOVD: Ian Campbell.

Literature cited by the submitters: PubMed 21990120 (cited by 6 submitters); PubMed 28678401 (cited by 4 submitters); PubMed 31159747 (cited by 3 submitters); PubMed 34923718 (cited by Labcorp Genetics (formerly Invitae), Labcorp); PubMed 35264596 (cited by Labcorp Genetics (formerly Invitae), Labcorp); PubMed 37253112 (cited by 3 submitters); PubMed 25085752 (cited by Myriad Genetics, Inc.); PubMed 23117857 (cited by Ambry Genetics and Quest Diagnostics Nichols Institute San Juan Capistrano); PubMed 25470109 (cited by Ambry Genetics and Quest Diagnostics Nichols Institute San Juan Capistrano); PubMed 28829762 (cited by Ambry Genetics and Quest Diagnostics Nichols Institute San Juan Capistrano).